The following is an entry in ClinVar:

ClinVar aggregate classification (germline): Uncertain significance (0 of 4 stars; one submission).

Conditions:
SLC29A4-related disorder. Also called: SLC29A4-related condition.

Submission:

PreventionGenetics, part of Exact Sciences
Classification: Uncertain significance for SLC29A4-related condition. Last evaluated: 2024-04-25. Review status: no assertion criteria provided. Collection method: clinical testing. Allele origin: germline.
Comment: The SLC29A4 c.1589T>G variant is predicted to result in the amino acid substitution p.Leu530Arg. To our knowledge, this variant has not been reported in the literature or in a large population database, indicating this variant is rare. At this time, the clinical significance of this variant is uncertain due to the absence of conclusive functional and genetic evidence.

NM_153247.4(SLC29A4):c.1589T>G (p.Leu530Arg)

Gene: SLC29A4 (solute carrier family 29 member 4; plus strand). Cytogenetic location: 7p22.1.
Variant type: single nucleotide variant.
Coding change: c.1589T>G on transcript NM_153247.4 (MANE Select); coding-DNA position 1589, T replaced by G.
Protein change: p.Leu530Arg; replaces leucine 530 with arginine.
Molecular consequence: missense variant.
Genome position (GRCh38, 1-based): chr7:5,302,935, T>G. VCF-style: chr7-5302935-T-G. GRCh37 (hg19) VCF-style: chr7-5342566-T-G.
Other names: c.1589T>G, p.Leu530Arg (NM_001040661.3); c.1547T>G, p.Leu516Arg (NM_001300847.3); short protein forms L516R, L530R.
Identifiers: ClinVar variation 3349523 (VCV003349523.1).